The following is an entry in ClinVar:

ClinVar aggregate classification (germline): Uncertain significance (1 of 4 stars; one submission).

Allele frequency attached by ClinVar (database versions not stated): ExAC 0.00001; gnomAD exomes 0.00001; TOPMed 0.00002; gnomAD 0.00003.
gnomAD v4.1: 19 of 1,613,912 alleles (0.0012%); highest among the groups gnomAD compares: African/African-American, 0.008%; no homozygotes.

Submission:

Labcorp Genetics (formerly Invitae), Labcorp
Classification: Uncertain significance. Last evaluated: 2024-04-02. Review status: criteria provided, single submitter. Criteria: Invitae Variant Classification Sherloc (09022015). Collection method: clinical testing. Allele origin: germline.
Comment: This sequence change replaces glutamic acid, which is acidic and polar, with lysine, which is basic and polar, at codon 567 of the TSPEAR protein (p.Glu567Lys). This variant is present in population databases (rs782375762, gnomAD 0.003%). This missense change has been observed in individual(s) with clinical features of SPEAR-related conditions (Invitae). In at least one individual the data is consistent with being in trans (on the opposite chromosome) from a pathogenic variant. Advanced modeling of protein sequence and biophysical properties (such as structural, functional, and spatial information, amino acid conservation, physicochemical variation, residue mobility, and thermodynamic stability) performed at Invitae indicates that this missense variant is not expected to disrupt TSPEAR protein function with a negative predictive value of 80%. In summary, the available evidence is currently insufficient to determine the role of this variant in disease. Therefore, it has been classified as a Variant of Uncertain Significance.

NM_144991.3(TSPEAR):c.1699G>A (p.Glu567Lys)

Genes: TSPEAR (thrombospondin type laminin G domain and EAR repeats; minus strand), TSPEAR-AS1 (TSPEAR antisense RNA 1; plus strand), LOC126653398 (CDK7 strongly-dependent group 2 enhancer GRCh37_chr21:45928270-45929469; plus strand). Cytogenetic location: 21q22.3.
Variant type: single nucleotide variant.
Coding change: c.1699G>A on transcript NM_144991.3 (MANE Select); coding-DNA position 1699, G replaced by A.
Protein change: p.Glu567Lys; replaces glutamic acid 567 with lysine.
Molecular consequence: missense variant. On other transcripts: non-coding transcript variant (1).
Genome position (GRCh38, 1-based): chr21:44,509,254, C>T on the plus strand (G>A on the coding strand, the complement: TSPEAR is on the minus strand). VCF-style: chr21-44509254-C-T. GRCh37 (hg19) VCF-style: chr21-45929137-C-T.
Other names: c.1495G>A, p.Glu499Lys (NM_001272037.2); short protein forms E499K, E567K.
Identifiers: ClinVar variation 2895166 (VCV002895166.2), dbSNP rs782375762, ClinGen allele CA10056414.